The following is an entry in ClinVar:

NM_000245.4(MET):c.1924A>T (p.Asn642Tyr)

Gene: MET (MET proto-oncogene, receptor tyrosine kinase; plus strand). Cytogenetic location: 7q31.2.
Variant type: single nucleotide variant.
Coding change: c.1924A>T on transcript NM_000245.4 (MANE Select); coding-DNA position 1924, A replaced by T.
Protein change: p.Asn642Tyr; replaces asparagine 642 with tyrosine.
Molecular consequence: missense variant.
Genome position (GRCh38, 1-based): chr7:116,757,498, A>T. VCF-style: chr7-116757498-A-T. GRCh37 (hg19) VCF-style: chr7-116397552-A-T.
Other names: c.1924A>T, p.Asn642Tyr (NM_001127500.3, NM_001324401.3); c.634A>T, p.Asn212Tyr (NM_001324402.2); short protein forms N642Y, N212Y.
Identifiers: ClinVar variation 1782746 (VCV001782746.2), dbSNP rs1554395374, ClinGen allele CA368979406.

ClinVar aggregate classification (germline): Uncertain significance (1 of 4 stars; one submission).

Conditions:
Hereditary cancer-predisposing syndrome. Also called: Neoplastic Syndromes, Hereditary; Tumor predisposition; Hereditary Cancer Syndrome; Hereditary neoplastic syndrome. Identifiers: Orphanet 140162, MedGen C0027672, MeSH D009386, MONDO:0015356.

Submission:

Ambry Genetics
Classification: Uncertain significance for Hereditary cancer-predisposing syndrome. Last evaluated: 2022-06-20. Review status: criteria provided, single submitter. Criteria: Ambry Variant Classification Scheme 2023. Collection method: clinical testing. Allele origin: germline.
Comment: The p.N642Y variant (also known as c.1924A>T), located in coding exon 6 of the MET gene, results from an A to T substitution at nucleotide position 1924. The asparagine at codon 642 is replaced by tyrosine, an amino acid with dissimilar properties. This amino acid position is conserved. In addition, this alteration is predicted to be tolerated by in silico analysis. Since supporting evidence is limited at this time, the clinical significance of this alteration remains unclear.